The following is an entry in ClinVar:

NM_003396.3(WNT9B):c.290G>T (p.Arg97Leu)

Genes: LRRC37A2 (leucine rich repeat containing 37 member A2), WNT9B (Wnt family member 9B; plus strand). Cytogenetic location: 17q21.32.
Variant type: single nucleotide variant.
Coding change: c.290G>T on transcript NM_003396.3 (MANE Select); coding-DNA position 290, G replaced by T.
Protein change: p.Arg97Leu; replaces arginine 97 with leucine.
Molecular consequence: missense variant.
Genome position (GRCh38, 1-based): chr17:46,872,729, G>T. VCF-style: chr17-46872729-G-T. GRCh37 (hg19) VCF-style: chr17-44950095-G-T.
Other names: c.290G>T, p.Arg97Leu (NM_001320458.2); short protein forms R97L.
Identifiers: ClinVar variation 3709330 (VCV003709330.2).
Genomic context (GRCh38, chr17:46,872,729, plus strand): 5'-CCCTGAGGGATGCTGCGCACCTCGGCCTGCTTGAGTGCCAGTTTCAGTTCCGGCATGAGC[G>T]CTGGAACTGTAGCCTGGAGGGCAGGATGGGCCTGCTCAAGAGAGGTGGGGAGGAGGGCTA-3'
Protein context (NP_003387.1, residues 87-107): LECQFQFRHE[Arg97Leu]WNCSLEGRMG

ClinVar aggregate classification (germline): Uncertain significance (1 of 4 stars; one submission).

gnomAD v4.1: 4 of 1,612,482 alleles (0.00025%); highest among the groups gnomAD compares: African/African-American, 0.0027%; no homozygotes.

Submission:

Labcorp Genetics (formerly Invitae), Labcorp
Classification: Uncertain significance. Last evaluated: 2024-11-30. Review status: criteria provided, single submitter. Criteria: Invitae Variant Classification Sherloc (09022015). Collection method: clinical testing. Allele origin: germline.
Comment: This sequence change replaces arginine, which is basic and polar, with leucine, which is neutral and non-polar, at codon 97 of the WNT9B protein (p.Arg97Leu). This variant is not present in population databases (gnomAD no frequency). This variant has not been reported in the literature in individuals affected with WNT9B-related conditions. An algorithm developed to predict the effect of missense changes on protein structure and function (PolyPhen-2) suggests that this variant is likely to be disruptive. In summary, the available evidence is currently insufficient to determine the role of this variant in disease. Therefore, it has been classified as a Variant of Uncertain Significance.